The following is an entry in ClinVar:

NM_001903.5(CTNNA1):c.2242A>C (p.Lys748Gln)

Gene: CTNNA1 (catenin alpha 1; plus strand). Cytogenetic location: 5q31.2.
Variant type: single nucleotide variant.
Coding change: c.2242A>C on transcript NM_001903.5 (MANE Select); coding-DNA position 2242, A replaced by C.
Protein change: p.Lys748Gln; replaces lysine 748 with glutamine.
Molecular consequence: missense variant.
Genome position (GRCh38, 1-based): chr5:138,930,879, A>C. VCF-style: chr5-138930879-A-C. GRCh37 (hg19) VCF-style: chr5-138266568-A-C.
Other names: c.2242A>C (NM_001903.2); c.2242A>C, p.Lys748Gln (NM_001290307.3, NM_001323982.2, NM_001323983.1 and 2 more transcripts); c.1933A>C, p.Lys645Gln (NM_001290309.3); c.1873A>C, p.Lys625Gln (NM_001290310.3); c.1132A>C, p.Lys378Gln (NM_001290312.1, NM_001323987.1, NM_001323988.1 and 17 more transcripts); c.2149A>C, p.Lys717Gln (NM_001323986.2); c.793A>C, p.Lys265Gln (NM_001324006.1, NM_001324007.1, NM_001324008.1 and 2 more transcripts); c.1039A>C, p.Lys347Gln (NM_001324011.1); and 1 more; short protein forms K265Q, K347Q, K645Q, K748Q, K297Q, K717Q, K378Q, K625Q.
Identifiers: ClinVar variation 1046321 (VCV001046321.12), dbSNP rs1254765947, ClinGen allele CA361133851.

ClinVar aggregate classification (germline): Uncertain significance. Review status: criteria provided, multiple submitters, no conflicts (2 of 4 stars). 3 submissions from 3 submitters: Uncertain significance (3). Last evaluated 2025-12-10.

Conditions:
Hereditary cancer-predisposing syndrome. Also called: Hereditary Cancer Syndrome; Tumor predisposition; Hereditary neoplastic syndrome; Neoplastic Syndromes, Hereditary. Identifiers: Orphanet 140162, MedGen C0027672, MeSH D009386, MONDO:0015356.
Patterned macular dystrophy 2. Identifiers: Orphanet 99001, MedGen C1837029, MONDO:0012162, OMIM 608970.

Allele frequency attached by ClinVar (database versions not stated): gnomAD exomes below 0.00001; gnomAD 0.00001; TOPMed 0.00002.
gnomAD v4.1: 3 of 1,613,966 alleles (0.00019%); highest among the groups gnomAD compares: African/African-American, 0.004%; no homozygotes.

Submissions (3):

Labcorp Genetics (formerly Invitae), Labcorp
Classification: Uncertain significance. Last evaluated: 2025-12-10. Review status: criteria provided, single submitter. Criteria: Invitae Variant Classification Sherloc (09022015). Collection method: clinical testing. Allele origin: germline.
Comment: This sequence change replaces lysine, which is basic and polar, with glutamine, which is neutral and polar, at codon 748 of the CTNNA1 protein (p.Lys748Gln). This variant is not present in population databases (gnomAD no frequency). This variant has not been reported in the literature in individuals affected with CTNNA1-related conditions. ClinVar contains an entry for this variant (Variation ID: 1046321). Invitae Evidence Modeling of protein sequence and biophysical properties (such as structural, functional, and spatial information, amino acid conservation, physicochemical variation, residue mobility, and thermodynamic stability) indicates that this missense variant is not expected to disrupt CTNNA1 protein function with a negative predictive value of 80%. In summary, the available evidence is currently insufficient to determine the role of this variant in disease. Therefore, it has been classified as a Variant of Uncertain Significance.

Ambry Genetics
Classification: Uncertain significance for Hereditary cancer-predisposing syndrome. Last evaluated: 2025-07-12. Review status: criteria provided, single submitter. Criteria: Ambry Variant Classification Scheme 2023. Collection method: clinical testing. Allele origin: germline.
Comment: The p.K748Q variant (also known as c.2242A>C), located in coding exon 15 of the CTNNA1 gene, results from an A to C substitution at nucleotide position 2242. The lysine at codon 748 is replaced by glutamine, an amino acid with similar properties. This amino acid position is conserved. In addition, the in silico prediction for this alteration is inconclusive. Since supporting evidence is limited at this time, the clinical significance of this alteration remains unclear.

Baylor Genetics
Classification: Uncertain significance for Patterned macular dystrophy 2. Last evaluated: 2023-11-07. Review status: criteria provided, single submitter. Criteria: ACMG Guidelines, 2015. Collection method: clinical testing. Allele origin: unknown.